The following is an entry in ClinVar:

NM_000090.4(COL3A1):c.2824-12T>G

Gene: COL3A1 (collagen type III alpha 1 chain; plus strand). Cytogenetic location: 2q32.2.
Variant type: single nucleotide variant.
Coding change: c.2824-12T>G on transcript NM_000090.4 (MANE Select); 12 bases into the intron before coding-DNA position 2824, T replaced by G.
Molecular consequence: intron variant.
Genome position (GRCh38, 1-based): chr2:189,004,245, T>G. VCF-style: chr2-189004245-T-G. GRCh37 (hg19) VCF-style: chr2-189868971-T-G.
Identifiers: ClinVar variation 3710977 (VCV003710977.2).

ClinVar aggregate classification (germline): Uncertain significance (1 of 4 stars; one submission).

Conditions:
Ehlers-Danlos syndrome, type 4 (EDSVASC). Also called: Ehlers-Danlos syndrome vascular type; Ehlers Danlos syndrome, ecchymotic type; Ehlers Danlos syndrome, arterial type; Ehlers Danlos syndrome, Sack-Barabas type; Ehlers-Danlos Syndrome Type IV. Identifiers: Orphanet 286, MedGen C0268338, MONDO:0017314, OMIM 130050.

Submission:

Labcorp Genetics (formerly Invitae), Labcorp
Classification: Uncertain significance for Ehlers-Danlos syndrome, type 4. Last evaluated: 2024-03-03. Review status: criteria provided, single submitter. Criteria: Invitae Variant Classification Sherloc (09022015). Collection method: clinical testing. Allele origin: germline.
Comment: This sequence change falls in intron 39 of the COL3A1 gene. It does not directly change the encoded amino acid sequence of the COL3A1 protein. This variant is not present in population databases (gnomAD no frequency). This variant has not been reported in the literature in individuals affected with COL3A1-related conditions. Algorithms developed to predict the effect of sequence changes on RNA splicing suggest that this variant may disrupt the consensus splice site. In summary, the available evidence is currently insufficient to determine the role of this variant in disease. Therefore, it has been classified as a Variant of Uncertain Significance.